The following is an entry in ClinVar:

ClinVar aggregate classification (germline): Pathogenic (1 of 4 stars; one submission).

Conditions:
Inborn genetic diseases. Identifiers: MedGen C0950123, MeSH D030342.

Submission:

Ambry Genetics
Classification: Pathogenic for Inborn genetic diseases. Last evaluated: 2025-08-08. Review status: criteria provided, single submitter. Criteria: Ambry Variant Classification Scheme 2023. Collection method: clinical testing. Allele origin: germline.
Comment: The p.W72* pathogenic mutation (also known as c.215G>A), located in coding exon 3 of the ETV6 gene, results from a G to A substitution at nucleotide position 215. This changes the amino acid from a tryptophan to a stop codon within coding exon 3. This variant is considered to be rare based on population cohorts in the Genome Aggregation Database (gnomAD). This alteration is expected to result in loss of function by premature protein truncation or nonsense-mediated mRNA decay. As such, this alteration is interpreted as a disease-causing mutation.

NM_001987.5(ETV6):c.215G>A (p.Trp72Ter)

Genes: ETV6 (ETS variant transcription factor 6; plus strand), LOC126861451 (BRD4-independent group 4 enhancer GRCh37_chr12:11991350-11992549; plus strand). Cytogenetic location: 12p13.2.
Variant type: single nucleotide variant.
Coding change: c.215G>A on transcript NM_001987.5 (MANE Select); coding-DNA position 215, G replaced by A.
Protein change: p.Trp72Ter; replaces tryptophan 72 with a stop codon.
Molecular consequence: nonsense. On other transcripts: 5 prime UTR variant (1).
Genome position (GRCh38, 1-based): chr12:11,839,191, G>A. VCF-style: chr12-11839191-G-A. GRCh37 (hg19) VCF-style: chr12-11992125-G-A.
Other names: c.215G>A, p.Trp72Ter (NM_001413918.1, NM_001413916.1, NM_001413917.1); c.212G>A, p.Trp71Ter (NM_001413913.1); c.188G>A, p.Trp63Ter (NM_001413914.1); c.-50G>A (NM_001413915.1); short protein forms W71*, W63*, W72*.
Identifiers: ClinVar variation 4251465 (VCV004251465.1).